The following is an entry in ClinVar:

NM_018718.3(CEP41):c.98-4986A>G

Gene: CEP41 (centrosomal protein 41; minus strand). Cytogenetic location: 7q32.2.
Variant type: single nucleotide variant.
Coding change: c.98-4986A>G on transcript NM_018718.3 (MANE Select); 4986 bases into the intron before coding-DNA position 98, A replaced by G.
Molecular consequence: intron variant. On other transcripts: synonymous variant (1).
Genome position (GRCh38, 1-based): chr7:130,421,952, T>C on the plus strand (A>G on the coding strand, the complement: CEP41 is on the minus strand). VCF-style: chr7-130421952-T-C. GRCh37 (hg19) VCF-style: chr7-130061793-T-C.
Other names: c.153A>G, p.Gly51= (NM_001257160.2); c.97+6003A>G (NM_001257159.2); c.98-4986A>G (NM_001257158.2).
Identifiers: ClinVar variation 3057965 (VCV003057965.2), dbSNP rs1182350320, ClinGen allele CA577757160.

ClinVar aggregate classification (germline): Likely benign (0 of 4 stars; one submission).

Conditions:
CEP41-related disorder. Also called: CEP41-related condition.

Allele frequency attached by ClinVar (database versions not stated): gnomAD exomes below 0.00001; TOPMed 0.00001; gnomAD 0.00002.
gnomAD v4.1: 7 of 1,535,696 alleles (0.00046%); highest among the groups gnomAD compares: Admixed American, 0.0059%; no homozygotes.

Submission:

PreventionGenetics, part of Exact Sciences
Classification: Likely benign for CEP41-related condition. Last evaluated: 2019-03-27. Review status: no assertion criteria provided. Collection method: clinical testing. Allele origin: germline.
Comment: This variant is classified as likely benign based on ACMG/AMP sequence variant interpretation guidelines (Richards et al. 2015 PMID: 25741868, with internal and published modifications).